The following is an entry in ClinVar:

NM_178822.5(IGSF10):c.5718C>T (p.Asn1906=)

Gene: IGSF10 (immunoglobulin superfamily member 10; minus strand). Cytogenetic location: 3q25.1.
Variant type: single nucleotide variant.
Coding change: c.5718C>T on transcript NM_178822.5 (MANE Select); coding-DNA position 5718, C replaced by T.
Protein change: p.Asn1906=; no amino-acid change (asparagine 1906 retained).
Molecular consequence: synonymous variant.
Genome position (GRCh38, 1-based): chr3:151,443,229, G>A on the plus strand (C>T on the coding strand, the complement: IGSF10 is on the minus strand). VCF-style: chr3-151443229-G-A. GRCh37 (hg19) VCF-style: chr3-151161017-G-A.
Other names: c.5718C>T, p.Asn1906= (NM_001385060.1, NM_001385061.1, NM_001385062.1 and 1 more transcripts).
Identifiers: ClinVar variation 2067251 (VCV002067251.9), dbSNP rs145400491, ClinGen allele CA2669687.
Genomic context (GRCh38, chr3:151,443,229, plus strand): 5'-CTCCGAACCAGTGGAACTGGTAGCAATGCATTCATAAGTGCCCCTGTCTGAAGAGGCTAG[G>A]TTTCTTATATACAAAGTCCCATTTGAAAATAAGAACAACTTGGAATTGGTAAACTGTAAT-3'
Protein context (NP_849144.2, residues 1896-1916): LFSNGTLYIR[Asn1906=]LASSDRGTYE

ClinVar aggregate classification (germline): Benign/Likely benign. Review status: criteria provided, multiple submitters, no conflicts (2 of 4 stars). 2 submissions from 2 submitters: Benign (1); Likely benign (1). Last evaluated 2025-11-01.

Allele frequency attached by ClinVar (database versions not stated): ExAC 0.00030; gnomAD 0.00036; TOPMed 0.00038; ESP Exome Variant Server 0.00046.
gnomAD v4.1: 415 of 1,613,138 alleles (0.026%); highest among the groups gnomAD compares: Non-Finnish European, 0.0043%; 2 homozygotes.

Submissions (2):

CeGaT Center for Human Genetics Tuebingen
Classification: Likely benign. Last evaluated: 2025-11-01. Review status: criteria provided, single submitter. Criteria: CeGaT Center For Human Genetics Tuebingen Variant Classification Criteria Version 2. Collection method: clinical testing. Allele origin: germline. Affected: yes. Observed: 1 variant allele.
Comment: IGSF10: BP4, BP7

Labcorp Genetics (formerly Invitae), Labcorp
Classification: Benign. Last evaluated: 2023-07-29. Review status: criteria provided, single submitter. Criteria: Invitae Variant Classification Sherloc (09022015). Collection method: clinical testing. Allele origin: germline.